The following is an entry in ClinVar:

ClinVar aggregate classification (germline): Pathogenic (1 of 4 stars; one submission).

Conditions:
Adams-Oliver syndrome 2 (AOS2). Identifiers: Orphanet 974, MedGen C3280182, MONDO:0013635, OMIM 614219.

Submission:

Clinical Genetics Laboratory, Region Ostergotland
Classification: Pathogenic for Adams-Oliver syndrome 2. Last evaluated: 2025-12-30. Review status: criteria provided, single submitter. Criteria: ACMG Guidelines, 2015. Collection method: clinical testing. Allele origin: germline. Affected: yes.
Comment: This was confirmed by parental testing. This variant is reported at a low frequency in gnomAD v4.1.1 (non-UKB): total AF 0.000009123. The following ACMG/AMP criteria were applied in classifying this variant as Pathogenic: PVS1, PM2, PM3

NM_020812.4(DOCK6):c.1280_1289del (p.Asp427fs)

Gene: DOCK6 (dedicator of cytokinesis 6; minus strand). Cytogenetic location: 19p13.2.
Variant type: Deletion.
Coding change: c.1280_1289del on transcript NM_020812.4 (MANE Select); coding-DNA positions 1280 to 1289, 10 bases deleted (ACCGCCGCCG; older notation c.1280_1289delACCGCCGCCG).
Protein change: p.Asp427fs; shifts the reading frame from aspartic acid 427.
Molecular consequence: frameshift variant.
Genome position (GRCh38, 1-based): chr19:11,243,355-11,243,364, CGGCGGCGGT deleted on the plus strand (ACCGCCGCCG on the coding strand, the reverse complement: DOCK6 is on the minus strand); deleting any 10 consecutive bases within chr19:11,243,355-11,243,365 gives the same sequence; the c. name uses the placement nearest the transcript's 3' end. VCF-style (leftmost placement, unchanged base first): chr19-11243354-ACGGCGGCGGT-A. GRCh37 (hg19) VCF-style: chr19-11354030-ACGGCGGCGGT-A.
Other names: c.1280_1289del, p.Asp427fs (NM_001367830.1); short protein forms D427fs.
Identifiers: ClinVar variation 4849852 (VCV004849852.2).